The following is an entry in ClinVar:

ClinVar aggregate classification (germline): Uncertain significance. Review status: criteria provided, multiple submitters, no conflicts (2 of 4 stars). 2 submissions from 2 submitters: Uncertain significance (2). Last evaluated 2022-07-06.

Allele frequency attached by ClinVar (database versions not stated): gnomAD exomes below 0.00001; gnomAD 0.00001; ExAC 0.00002; TOPMed 0.00005.
gnomAD v4.1: 6 of 1,603,624 alleles (0.00037%); highest among the groups gnomAD compares: Admixed American, 0.0083%; no homozygotes.

Submissions (2):

Labcorp Genetics (formerly Invitae), Labcorp
Classification: Uncertain significance. Last evaluated: 2022-07-06. Review status: criteria provided, single submitter. Criteria: Invitae Variant Classification Sherloc (09022015). Collection method: clinical testing. Allele origin: germline.
Comment: This sequence change replaces valine, which is neutral and non-polar, with alanine, which is neutral and non-polar, at codon 584 of the COL9A1 protein (p.Val584Ala). This variant is present in population databases (rs761771942, gnomAD 0.01%). This variant has not been reported in the literature in individuals affected with COL9A1-related conditions. Advanced modeling of protein sequence and biophysical properties (such as structural, functional, and spatial information, amino acid conservation, physicochemical variation, residue mobility, and thermodynamic stability) performed at Invitae indicates that this missense variant is not expected to disrupt COL9A1 protein function. In summary, the available evidence is currently insufficient to determine the role of this variant in disease. Therefore, it has been classified as a Variant of Uncertain Significance.

Blueprint Genetics
Classification: Uncertain significance. Last evaluated: 2022-01-20. Review status: criteria provided, single submitter. Criteria: ACMG Guidelines, 2015. Collection method: clinical testing. Allele origin: germline.

NM_001851.6(COL9A1):c.1751T>C (p.Val584Ala)

Gene: COL9A1 (collagen type IX alpha 1 chain; minus strand). Cytogenetic location: 6q13.
Variant type: single nucleotide variant.
Coding change: c.1751T>C on transcript NM_001851.6 (MANE Select); coding-DNA position 1751, T replaced by C.
Protein change: p.Val584Ala; replaces valine 584 with alanine.
Molecular consequence: missense variant. On other transcripts: non-coding transcript variant (1).
Genome position (GRCh38, 1-based): chr6:70,253,398, A>G on the plus strand (T>C on the coding strand, the complement: COL9A1 is on the minus strand). VCF-style: chr6-70253398-A-G. GRCh37 (hg19) VCF-style: chr6-70963101-A-G.
Other names: c.1052T>C, p.Val351Ala (NM_001377289.1); c.1022T>C, p.Val341Ala (NM_001377290.1, NM_078485.4); short protein forms V351A, V341A, V584A.
Identifiers: ClinVar variation 2054363 (VCV002054363.2), dbSNP rs761771942, ClinGen allele CA3882031.
Genomic context (GRCh38, chr6:70,253,398, plus strand): 5'-ATAAAGAAATTAAGAAAGATATTAACTTAAATTTTAAAATATTTTACCTTTTCACCAGCA[A>G]CACCCTTTGCACCAGGAATTCCAGGTACACCCTAAAAGAATACATACACAATCCTAGTTT-3'
Protein context (NP_001842.3, residues 574-594): GVPGIPGAKG[Val584Ala]AGEKGSTGAP